The following is an entry in ClinVar:

ClinVar aggregate classification (germline): Conflicting classifications of pathogenicity. Review status: criteria provided, conflicting classifications (1 of 4 stars). 2 submissions from 2 submitters: Uncertain significance (1); Likely benign (1). Last evaluated 2025-12-16.

Allele frequency attached by ClinVar (database versions not stated): TOPMed below 0.00001; gnomAD 0.00001; ExAC 0.00004; 1000 Genomes Project 30x 0.00016; 1000 Genomes Project 0.00020.
gnomAD v4.1: 45 of 1,605,882 alleles (0.0028%); highest among the groups gnomAD compares: Non-Finnish European, 0.0036%; no homozygotes.

Submissions (2):

Labcorp Genetics (formerly Invitae), Labcorp
Classification: Uncertain significance. Last evaluated: 2025-12-16. Review status: criteria provided, single submitter. Criteria: Invitae Variant Classification Sherloc (09022015). Collection method: clinical testing. Allele origin: germline.
Comment: This sequence change replaces arginine, which is basic and polar, with histidine, which is basic and polar, at codon 441 of the KCNQ4 protein (p.Arg441His). The frequency data for this variant in the population databases is considered unreliable, as metrics indicate poor data quality at this position in the gnomAD database. This variant has not been reported in the literature in individuals affected with KCNQ4-related conditions. ClinVar contains an entry for this variant (Variation ID: 2578573). Invitae Evidence Modeling of protein sequence and biophysical properties (such as structural, functional, and spatial information, amino acid conservation, physicochemical variation, residue mobility, and thermodynamic stability) indicates that this missense variant is not expected to disrupt KCNQ4 protein function with a negative predictive value of 95%. In summary, the available evidence is currently insufficient to determine the role of this variant in disease. Therefore, it has been classified as a Variant of Uncertain Significance.

CeGaT Center for Human Genetics Tuebingen
Classification: Likely benign. Last evaluated: 2023-08-01. Review status: criteria provided, single submitter. Criteria: CeGaT Center For Human Genetics Tuebingen Variant Classification Criteria Version 2. Collection method: clinical testing. Allele origin: germline. Affected: yes. Observed: 1 variant allele.
Comment: KCNQ4: BS1:Supporting

NM_004700.4(KCNQ4):c.1322G>A (p.Arg441His)

Gene: KCNQ4 (potassium voltage-gated channel subfamily Q member 4; plus strand). Cytogenetic location: 1p34.2.
Variant type: single nucleotide variant.
Coding change: c.1322G>A on transcript NM_004700.4 (MANE Select); coding-DNA position 1322, G replaced by A.
Protein change: p.Arg441His; replaces arginine 441 with histidine.
Molecular consequence: missense variant.
Genome position (GRCh38, 1-based): chr1:40,831,113, G>A. VCF-style: chr1-40831113-G-A. GRCh37 (hg19) VCF-style: chr1-41296785-G-A.
Other names: c.1160G>A, p.Arg387His (NM_172163.3); short protein forms R387H, R441H.
Identifiers: ClinVar variation 2578573 (VCV002578573.28), dbSNP rs201271940, ClinGen allele CA794861.
Genomic context (GRCh38, chr1:40,831,113, plus strand): 5'-TGGCTCTCTCCCAACCTGCCTGCCCTGCCAGCAGCCGGATGGGCATCAAAGACCGCATCC[G>A]CATGGGCAGCTCCCAGCGGCGGACGGGTCCTTCCAAGCAGCATCTGGCACCTCCAACAAT-3'
Protein context (NP_004691.2, residues 431-451): SSRMGIKDRI[Arg441His]MGSSQRRTGP